The following is an entry in ClinVar:

ClinVar aggregate classification (germline): Uncertain significance (1 of 4 stars; one submission).

Conditions:
Ataxia-telangiectasia syndrome (AT). Also called: LOUIS-BAR SYNDROME; Cerebello-oculocutaneous telangiectasia; Immunodeficiency with ataxia telangiectasia; Ataxia telangiectasia (A-T); Ataxia-telangiectasia, complementation group D; AT, COMPLEMENTATION GROUP C. Identifiers: Orphanet 100, MedGen C0004135, MONDO:0008840, OMIM 208900.

Submission:

Labcorp Genetics (formerly Invitae), Labcorp
Classification: Uncertain significance for Ataxia-telangiectasia syndrome. Last evaluated: 2023-06-14. Review status: criteria provided, single submitter. Criteria: Invitae Variant Classification Sherloc (09022015). Collection method: clinical testing. Allele origin: germline.
Comment: This sequence change replaces lysine, which is basic and polar, with glutamic acid, which is acidic and polar, at codon 2804 of the ATM protein (p.Lys2804Glu). In summary, the available evidence is currently insufficient to determine the role of this variant in disease. Therefore, it has been classified as a Variant of Uncertain Significance. An algorithm developed to predict the effect of missense changes on protein structure and function (PolyPhen-2) suggests that this variant is likely to be disruptive. This variant has not been reported in the literature in individuals affected with ATM-related conditions. This variant is not present in population databases (gnomAD no frequency).

NM_000051.4(ATM):c.8410A>G (p.Lys2804Glu)

Genes: ATM (ATM serine/threonine kinase; plus strand), C11orf65 (chromosome 11 open reading frame 65; minus strand). Cytogenetic location: 11q22.3.
Variant type: single nucleotide variant.
Coding change: c.8410A>G on transcript NM_000051.4 (MANE Select); coding-DNA position 8410, A replaced by G.
Protein change: p.Lys2804Glu; replaces lysine 2804 with glutamic acid.
Molecular consequence: missense variant. On other transcripts: intron variant (2).
Genome position (GRCh38, 1-based): chr11:108,343,363, A>G. VCF-style: chr11-108343363-A-G. GRCh37 (hg19) VCF-style: chr11-108214090-A-G.
Other names: c.8410A>G, p.Lys2804Glu (NM_001351834.2); c.641-34292T>C (NM_001330368.2); c.695-8071T>C (NM_001351110.2); short protein forms K2804E.
Identifiers: ClinVar variation 2715075 (VCV002715075.3), dbSNP rs878853549, ClinGen allele CA382516798.